The following is an entry in ClinVar:

NM_021930.6(RINT1):c.1910C>T (p.Ser637Leu)

Genes: EFCAB10 (EF-hand calcium binding domain 10; minus strand), RINT1 (RAD50 interactor 1; plus strand). Cytogenetic location: 7q22.3.
Variant type: single nucleotide variant.
Coding change: c.1910C>T on transcript NM_021930.6 (MANE Select); coding-DNA position 1910, C replaced by T.
Protein change: p.Ser637Leu; replaces serine 637 with leucine.
Molecular consequence: missense variant. On other transcripts: 3 prime UTR variant (3), non-coding transcript variant (1).
Genome position (GRCh38, 1-based): chr7:105,565,300, C>T. VCF-style: chr7-105565300-C-T. GRCh37 (hg19) VCF-style: chr7-105205747-C-T.
Other names: c.*147G>A (NM_001355526.2); c.*249G>A (NM_001355530.2); c.*102G>A (NM_001355531.2); c.1676C>T, p.Ser559Leu (NM_001346599.2); c.887C>T, p.Ser296Leu (NM_001346600.2, NM_001346603.2); c.986C>T, p.Ser329Leu (NM_001346601.2); short protein forms S329L, S559L, S637L, S296L.
Identifiers: ClinVar variation 847041 (VCV000847041.14), dbSNP rs761520355, ClinGen allele CA4426811.

ClinVar aggregate classification (germline): Uncertain significance. Review status: criteria provided, multiple submitters, no conflicts (2 of 4 stars). 2 submissions from 2 submitters: Uncertain significance (2). Last evaluated 2025-08-23.

Allele frequency attached by ClinVar (database versions not stated): ExAC 0.00001; gnomAD exomes 0.00001; gnomAD 0.00002; TOPMed 0.00002.
gnomAD v4.1: 6 of 1,602,860 alleles (0.00037%); highest among the groups gnomAD compares: Admixed American, 0.0051%; no homozygotes.

Submissions (2):

Ambry Genetics
Classification: Uncertain significance. Last evaluated: 2025-08-23. Review status: criteria provided, single submitter. Criteria: Ambry Variant Classification Scheme 2023. Collection method: clinical testing. Allele origin: germline.
Comment: The p.S637L variant (also known as c.1910C>T), located in coding exon 13 of the RINT1 gene, results from a C to T substitution at nucleotide position 1910. The serine at codon 637 is replaced by leucine, an amino acid with dissimilar properties. This amino acid position is not well conserved in available vertebrate species. In addition, this alteration is predicted to be tolerated by in silico analysis. Since supporting evidence is limited at this time, the clinical significance of this alteration remains unclear.

Labcorp Genetics (formerly Invitae), Labcorp
Classification: Uncertain significance. Last evaluated: 2024-12-26. Review status: criteria provided, single submitter. Criteria: Invitae Variant Classification Sherloc (09022015). Collection method: clinical testing. Allele origin: germline.
Comment: This sequence change replaces serine, which is neutral and polar, with leucine, which is neutral and non-polar, at codon 637 of the RINT1 protein (p.Ser637Leu). This variant is present in population databases (rs761520355, gnomAD 0.003%). This variant has not been reported in the literature in individuals affected with RINT1-related conditions. ClinVar contains an entry for this variant (Variation ID: 847041). An algorithm developed to predict the effect of missense changes on protein structure and function (PolyPhen-2) suggests that this variant is likely to be tolerated. In summary, the available evidence is currently insufficient to determine the role of this variant in disease. Therefore, it has been classified as a Variant of Uncertain Significance.